The following is an entry in ClinVar:

NM_018671.5(UNC45A):c.649C>T (p.Arg217Cys)

Gene: UNC45A (unc-45 myosin chaperone A; plus strand). Cytogenetic location: 15q26.1.
Variant type: single nucleotide variant.
Coding change: c.649C>T on transcript NM_018671.5 (MANE Select); coding-DNA position 649, C replaced by T.
Protein change: p.Arg217Cys; replaces arginine 217 with cysteine.
Molecular consequence: missense variant.
Genome position (GRCh38, 1-based): chr15:90,940,435, C>T. VCF-style: chr15-90940435-C-T. GRCh37 (hg19) VCF-style: chr15-91483665-C-T.
Other names: p.Arg217Cys; c.649C>T (NM_018671.3); c.604C>T, p.Arg202Cys (NM_001039675.2, NM_001323621.2); c.649C>T, p.Arg217Cys (NM_001323619.1); c.214C>T, p.Arg72Cys (NM_001323620.2); short protein forms R72C, R217C, R202C.
Identifiers: ClinVar variation 2062948 (VCV002062948.3), dbSNP rs369618410, ClinGen allele CA7742611.

ClinVar aggregate classification (germline): Uncertain significance. Review status: criteria provided, multiple submitters, no conflicts (2 of 4 stars). 3 submissions from 3 submitters: Uncertain significance (3). Last evaluated 2025-07-02.

Conditions:
Inborn genetic diseases. Identifiers: MedGen C0950123, MeSH D030342.

Allele frequency attached by ClinVar (database versions not stated): ExAC 0.00007; gnomAD 0.00007; ESP Exome Variant Server 0.00008; gnomAD exomes 0.00013.
gnomAD v4.1: 192 of 1,613,764 alleles (0.012%); highest among the groups gnomAD compares: Non-Finnish European, 0.016%; no homozygotes.

Submissions (3):

Mayo Clinic Laboratories, Mayo Clinic
Classification: Uncertain significance. Last evaluated: 2025-07-02. Review status: criteria provided, single submitter. Criteria: ACMG Guidelines, 2015. Collection method: clinical testing. Allele origin: germline. Observed: 1 variant allele.

Ambry Genetics
Classification: Uncertain significance for Inborn genetic diseases. Last evaluated: 2024-07-02. Review status: criteria provided, single submitter. Criteria: Ambry Variant Classification Scheme 2023. Collection method: clinical testing. Allele origin: germline.

Labcorp Genetics (formerly Invitae), Labcorp
Classification: Uncertain significance. Last evaluated: 2022-02-02. Review status: criteria provided, single submitter. Criteria: Invitae Variant Classification Sherloc (09022015). Collection method: clinical testing. Allele origin: germline.
Comment: This sequence change replaces arginine, which is basic and polar, with cysteine, which is neutral and slightly polar, at codon 217 of the UNC45A protein (p.Arg217Cys). This variant is present in population databases (rs369618410, gnomAD 0.01%). This variant has not been reported in the literature in individuals affected with UNC45A-related conditions. Experimental studies and prediction algorithms are not available or were not evaluated, and the functional significance of this variant is currently unknown. In summary, the available evidence is currently insufficient to determine the role of this variant in disease. Therefore, it has been classified as a Variant of Uncertain Significance.